The following is an entry in ClinVar:

ClinVar aggregate classification (germline): Uncertain significance. Review status: criteria provided, multiple submitters, no conflicts (2 of 4 stars). 2 submissions from 2 submitters: Uncertain significance (2). Last evaluated 2025-08-07.

Conditions:
Hereditary cancer-predisposing syndrome. Also called: Hereditary Cancer Syndrome; Hereditary neoplastic syndrome; Neoplastic Syndromes, Hereditary; Tumor predisposition. Identifiers: Orphanet 140162, MedGen C0027672, MeSH D009386, MONDO:0015356.

Submissions (2):

Labcorp Genetics (formerly Invitae), Labcorp
Classification: Uncertain significance. Last evaluated: 2025-08-07. Review status: criteria provided, single submitter. Criteria: Invitae Variant Classification Sherloc (09022015). Collection method: clinical testing. Allele origin: germline.
Comment: This sequence change replaces threonine, which is neutral and polar, with alanine, which is neutral and non-polar, at codon 457 of the POLE protein (p.Thr457Ala). This variant is not present in population databases (gnomAD no frequency). This variant has not been reported in the literature in individuals affected with POLE-related conditions. ClinVar contains an entry for this variant (Variation ID: 1770987). Invitae Evidence Modeling of protein sequence and biophysical properties (such as structural, functional, and spatial information, amino acid conservation, physicochemical variation, residue mobility, and thermodynamic stability) indicates that this missense variant is not expected to disrupt POLE protein function with a negative predictive value of 80%. In summary, the available evidence is currently insufficient to determine the role of this variant in disease. Therefore, it has been classified as a Variant of Uncertain Significance.

Ambry Genetics
Classification: Uncertain significance for Hereditary cancer-predisposing syndrome. Last evaluated: 2024-06-07. Review status: criteria provided, single submitter. Criteria: Ambry Variant Classification Scheme 2023. Collection method: clinical testing. Allele origin: germline.
Comment: The p.T457A variant (also known as c.1369A>G), located in coding exon 14 of the POLE gene, results from an A to G substitution at nucleotide position 1369. The threonine at codon 457 is replaced by alanine, an amino acid with similar properties. This amino acid position is highly conserved in available vertebrate species. In addition, the in silico prediction for this alteration is inconclusive. Since supporting evidence is limited at this time, the clinical significance of this alteration remains unclear.

NM_006231.4(POLE):c.1369A>G (p.Thr457Ala)

Gene: POLE (DNA polymerase epsilon, catalytic subunit; minus strand). Cytogenetic location: 12q24.33.
Variant type: single nucleotide variant.
Coding change: c.1369A>G on transcript NM_006231.4 (MANE Select); coding-DNA position 1369, A replaced by G.
Protein change: p.Thr457Ala; replaces threonine 457 with alanine.
Molecular consequence: missense variant.
Genome position (GRCh38, 1-based): chr12:132,673,268, T>C on the plus strand (A>G on the coding strand, the complement: POLE is on the minus strand). VCF-style: chr12-132673268-T-C. GRCh37 (hg19) VCF-style: chr12-133249854-T-C.
Other names: short protein forms T457A.
Identifiers: ClinVar variation 1770987 (VCV001770987.6), dbSNP rs2542141633, ClinGen allele CA387358831.